The following is an entry in ClinVar:

ClinVar aggregate classification (germline): Likely pathogenic (1 of 4 stars; one submission).

Conditions:
Pontocerebellar hypoplasia type 4 (PCH4). Also called: Pontocerebellar Hypoplasia Type 4 (PCH4). Identifiers: Orphanet 166063, MedGen C1856974, MONDO:0009166, OMIM 225753.
Pontocerebellar hypoplasia type 2A (PCH2A). Also called: PONTOCEREBELLAR HYPOPLASIA WITH PROGRESSIVE CEREBRAL ATROPHY; VOLENDAM NEURODEGENERATIVE DISEASE. Identifiers: Orphanet 2524, MedGen C1848526, MONDO:0010190, OMIM 277470.
Pontocerebellar hypoplasia type 5 (PCH5). Also called: Pontocerebellar Hypoplasia Type 5 (PCH5). Identifiers: Orphanet 166068, MedGen C1857762, MONDO:0012438, OMIM 610204.

gnomAD v4.1: 2 of 1,613,002 alleles (0.00012%); highest among the groups gnomAD compares: Non-Finnish European, 0.00017%; no homozygotes.

Submission:

First Genomix Gene Laboratory, Genetic Diagnostics Department
Classification: Likely pathogenic for Pontocerebellar hypoplasia type 5; Pontocerebellar hypoplasia type 4; Pontocerebellar hypoplasia type 2A. Last evaluated: 2025-03-26. Review status: criteria provided, single submitter. Criteria: ACMG Guidelines, 2015. Collection method: clinical testing. Allele origin: germline. Inheritance: Autosomal recessive inheritance. Affected: no. Observed: 1 variant allele.

NM_207346.3(TSEN54):c.743C>G (p.Ser248Ter)

Gene: TSEN54 (tRNA splicing endonuclease subunit 54; plus strand). Cytogenetic location: 17q25.1.
Variant type: single nucleotide variant.
Coding change: c.743C>G on transcript NM_207346.3 (MANE Select); coding-DNA position 743, C replaced by G.
Protein change: p.Ser248Ter; replaces serine 248 with a stop codon.
Molecular consequence: nonsense.
Genome position (GRCh38, 1-based): chr17:75,521,824, C>G. VCF-style: chr17-75521824-C-G. GRCh37 (hg19) VCF-style: chr17-73517905-C-G.
Other names: short protein forms S248*.
Identifiers: ClinVar variation 4845811 (VCV004845811.1).